The following is an entry in ClinVar:

NM_001366385.1(CARD14):c.2808G>T (p.Lys936Asn)

Genes: SGSH (N-sulfoglucosamine sulfohydrolase; minus strand), CARD14 (caspase recruitment domain family member 14; plus strand). Cytogenetic location: 17q25.3.
Variant type: single nucleotide variant.
Coding change: c.2808G>T on transcript NM_001366385.1 (MANE Select); coding-DNA position 2808, G replaced by T.
Protein change: p.Lys936Asn; replaces lysine 936 with asparagine.
Molecular consequence: missense variant. On other transcripts: non-coding transcript variant (1).
Genome position (GRCh38, 1-based): chr17:80,208,138, G>T. VCF-style: chr17-80208138-G-T. GRCh37 (hg19) VCF-style: chr17-78181937-G-T.
Other names: c.2808G>T (NM_024110.3); c.2808G>T, p.Lys936Asn (NM_024110.4); short protein forms K936N.
Identifiers: ClinVar variation 3764016 (VCV003764016.3).

ClinVar aggregate classification (germline): Uncertain significance. Review status: criteria provided, multiple submitters, no conflicts (2 of 4 stars). 2 submissions from 2 submitters: Uncertain significance (2). Last evaluated 2025-04-11.

Conditions:
Pityriasis rubra pilaris (PRP). Also called: Pityriasis rubra pilaris--familial type. Identifiers: Orphanet 2897, MedGen C0032027, MONDO:0100017, OMIM 173200, MONDO:0008251.
Psoriasis 2. Identifiers: MedGen C1864497, MONDO:0011269, OMIM 602723.
Inborn genetic diseases. Identifiers: MedGen C0950123, MeSH D030342.

gnomAD v4.1: 2 of 1,536,076 alleles (0.00013%); highest among the groups gnomAD compares: African/African-American, 0.0027%; no homozygotes.

Submissions (2):

Ambry Genetics
Classification: Uncertain significance for Inborn genetic diseases. Last evaluated: 2025-04-11. Review status: criteria provided, single submitter. Criteria: Ambry Variant Classification Scheme 2023. Collection method: clinical testing. Allele origin: germline.

Labcorp Genetics (formerly Invitae), Labcorp
Classification: Uncertain significance for Pityriasis rubra pilaris; Psoriasis 2. Last evaluated: 2024-10-03. Review status: criteria provided, single submitter. Criteria: Invitae Variant Classification Sherloc (09022015). Collection method: clinical testing. Allele origin: germline.
Comment: This sequence change replaces lysine, which is basic and polar, with asparagine, which is neutral and polar, at codon 936 of the CARD14 protein (p.Lys936Asn). The frequency data for this variant in the population databases is considered unreliable, as metrics indicate poor data quality at this position in the gnomAD database. This variant has not been reported in the literature in individuals affected with CARD14-related conditions. Invitae Evidence Modeling of protein sequence and biophysical properties (such as structural, functional, and spatial information, amino acid conservation, physicochemical variation, residue mobility, and thermodynamic stability) indicates that this missense variant is not expected to disrupt CARD14 protein function with a negative predictive value of 95%. Algorithms developed to predict the effect of sequence changes on RNA splicing suggest that this variant may disrupt the consensus splice site. In summary, the available evidence is currently insufficient to determine the role of this variant in disease. Therefore, it has been classified as a Variant of Uncertain Significance.